The following is an entry in ClinVar:

ClinVar aggregate classification (germline): Likely pathogenic (1 of 4 stars; one submission).

Conditions:
Dilated cardiomyopathy 1G (CMD1G). Identifiers: Orphanet 154, MedGen C1858763, MONDO:0011400, OMIM 604145.
Autosomal recessive limb-girdle muscular dystrophy type 2J (LGMDR10). Also called: MUSCULAR DYSTROPHY, LIMB-GIRDLE, AUTOSOMAL RECESSIVE 10; Limb-girdle muscular dystrophy, type 2J. Identifiers: Orphanet 140922, MedGen C1837342, MONDO:0012127, OMIM 608807.

Submission:

Labcorp Genetics (formerly Invitae), Labcorp
Classification: Likely pathogenic for Dilated cardiomyopathy 1G; Autosomal recessive limb-girdle muscular dystrophy type 2J. Last evaluated: 2024-10-18. Review status: criteria provided, single submitter. Criteria: Invitae Variant Classification Sherloc (09022015). Collection method: clinical testing. Allele origin: germline.
Comment: This sequence change affects an acceptor splice site in intron 249 of the TTN gene. It is expected to disrupt RNA splicing and likely results in a truncated or disrupted TTN protein. This variant is not present in population databases (gnomAD no frequency). This variant has not been reported in the literature in individuals affected with TTN-related conditions. Algorithms developed to predict the effect of sequence changes on RNA splicing suggest that this variant may disrupt the consensus splice site. This variant is located in the I band of TTN (PMID: 25589632). Truncating variants in this region have been reported in individuals affected with autosomal recessive centronuclear myopathy (PMID: 23975875, internal data). Truncating variants in this region have also been identified in individuals affected with autosomal dominant dilated cardiomyopathy and/or cardio-related conditions (PMID: 27869827, 32964742, internal data). In summary, the currently available evidence indicates that the variant is pathogenic, but additional data are needed to prove that conclusively. Therefore, this variant has been classified as Likely Pathogenic.

Literature cited by the submitters: PubMed 25589632; PubMed 23975875; PubMed 27869827; PubMed 32964742.

NM_001267550.2(TTN):c.46430-2A>G

Genes: TTN-AS1 (TTN antisense RNA 1; plus strand), TTN (titin; minus strand). Cytogenetic location: 2q31.2.
Variant type: single nucleotide variant.
Coding change: c.46430-2A>G on transcript NM_001267550.2 (MANE Select); the canonical splice acceptor site of the intron before coding-DNA position 46430, A replaced by G.
Molecular consequence: splice acceptor variant. On other transcripts: non-coding transcript variant (1).
Genome position (GRCh38, 1-based): chr2:178,619,889, T>C on the plus strand (A>G on the coding strand, the complement: TTN is on the minus strand). VCF-style: chr2-178619889-T-C. GRCh37 (hg19) VCF-style: chr2-179484616-T-C.
Other names: c.19235-2A>G (NM_003319.4); c.19811-2A>G (NM_133437.4); c.19610-2A>G (NM_133432.3); c.38726-2A>G (NM_133378.4); c.41507-2A>G (NM_001256850.1).
Identifiers: ClinVar variation 2943469 (VCV002943469.3), dbSNP rs2470977242, ClinGen allele CA349626445.
Genomic context (GRCh38, chr2:178,619,889, plus strand): 5'-ATCAGCACCAGGGGCTTCAAGAATATCTTGTGGAGGCCTGATGATCTCAACAGGAATTTC[T>C]GGAAAGAAAATGTGAAATAAATACAAATATGTTTACATTTTGATTAACAATTTTAAAAAA-3'